The following is an entry in ClinVar:

ClinVar aggregate classification (germline): Conflicting classifications of pathogenicity. Review status: criteria provided, conflicting classifications (1 of 4 stars). 3 submissions from 3 submitters: Uncertain significance (2); Likely benign (1). Last evaluated 2025-08-20.

Conditions:
Peutz-Jeghers syndrome (PJS). Also called: Peutz-Jeghers polyposis; Periorificial lentiginosis syndrome; POLYPOSIS, HAMARTOMATOUS INTESTINAL; POLYPS-AND-SPOTS SYNDROME. Identifiers: Orphanet 2869, MedGen C0031269, MeSH D010580, MONDO:0008280, OMIM 175200.
Hereditary cancer-predisposing syndrome. Also called: Hereditary Cancer Syndrome; Neoplastic Syndromes, Hereditary; Hereditary neoplastic syndrome; Tumor predisposition. Identifiers: Orphanet 140162, MedGen C0027672, MeSH D009386, MONDO:0015356.

Allele frequency attached by ClinVar (database versions not stated): gnomAD exomes 0.00001; TOPMed 0.00001.

Submissions (3):

Labcorp Genetics (formerly Invitae), Labcorp
Classification: Uncertain significance for Peutz-Jeghers syndrome. Last evaluated: 2025-08-20. Review status: criteria provided, single submitter. Criteria: Invitae Variant Classification Sherloc (09022015). Collection method: clinical testing. Allele origin: germline.
Comment: This variant, c.1053_1058dup, results in the insertion of 2 amino acid(s) of the STK11 protein (p.Asp352_Leu353dup), but otherwise preserves the integrity of the reading frame. This variant is present in population databases (no rsID available, gnomAD 0.006%). This variant has not been reported in the literature in individuals affected with STK11-related conditions. ClinVar contains an entry for this variant (Variation ID: 822083). Experimental studies and prediction algorithms are not available or were not evaluated, and the functional significance of this variant is currently unknown. In summary, the available evidence is currently insufficient to determine the role of this variant in disease. Therefore, it has been classified as a Variant of Uncertain Significance.

Ambry Genetics
Classification: Likely benign for Hereditary cancer-predisposing syndrome. Last evaluated: 2021-12-02. Review status: criteria provided, single submitter. Criteria: Ambry Variant Classification Scheme 2023. Collection method: clinical testing. Allele origin: germline.

Genome-Nilou Lab
Classification: Uncertain significance for Peutz-Jeghers syndrome. Last evaluated: 2021-07-15. Review status: criteria provided, single submitter. Criteria: ACMG Guidelines, 2015. Collection method: clinical testing. Allele origin: germline. Affected: no.

NM_000455.5(STK11):c.1053_1058dup (p.Asp352_Leu353dup)

Genes: STK11 (serine/threonine kinase 11; plus strand), LOC130062899 (ATAC-STARR-seq lymphoblastoid active region 13597; plus strand). Cytogenetic location: 19p13.3.
Variant type: Duplication.
Coding change: c.1053_1058dup on transcript NM_000455.5 (MANE Select); coding-DNA positions 1053 to 1058, 6 bases duplicated (GGACCT; older notation c.1053_1058dupGGACCT).
Protein change: p.Asp352_Leu353dup.
Molecular consequence: inframe insertion.
Genome position (GRCh38, 1-based): chr19:1,223,117-1,223,122, GGACCT duplicated. VCF-style (leftmost placement, unchanged base first): chr19-1223116-A-AGGACCT. GRCh37 (hg19) VCF-style: chr19-1223115-A-AGGACCT.
Other names: c.1053_1058dup (NM_000455.4).
Identifiers: ClinVar variation 822083 (VCV000822083.16), dbSNP rs1264780659, ClinGen allele CA631299760.